The following is an entry in ClinVar:

NM_020708.5(SLC12A5):c.2459G>A (p.Arg820His)

Gene: SLC12A5 (solute carrier family 12 member 5; plus strand). Cytogenetic location: 20q13.12.
Variant type: single nucleotide variant.
Coding change: c.2459G>A on transcript NM_020708.5 (MANE Select); coding-DNA position 2459, G replaced by A.
Protein change: p.Arg820His; replaces arginine 820 with histidine.
Molecular consequence: missense variant.
Genome position (GRCh38, 1-based): chr20:46,053,038, G>A. VCF-style: chr20-46053038-G-A. GRCh37 (hg19) VCF-style: chr20-44681677-G-A.
Other names: c.2528G>A, p.Arg843His (NM_001134771.2); short protein forms R820H, R843H.
Identifiers: ClinVar variation 1514785 (VCV001514785.3), dbSNP rs1179723675, ClinGen allele CA409204919.

ClinVar aggregate classification (germline): Uncertain significance (1 of 4 stars; one submission).

Conditions:
Developmental and epileptic encephalopathy, 34 (DEE34). Also called: SLC12A5-Related Epilepsy of Infancy with Migrating Focal Seizures; Early infantile epileptic encephalopathy 34. Identifiers: Orphanet 293181, MedGen C4225257, MONDO:0014718, OMIM 616645.

Allele frequency attached by ClinVar (database versions not stated): gnomAD exomes below 0.00001 and 0.00001; gnomAD 0.00001; TOPMed 0.00001.
gnomAD v4.1: 9 of 1,614,062 alleles (0.00056%); highest among the groups gnomAD compares: African/African-American, 0.0013%; no homozygotes.

Submission:

Labcorp Genetics (formerly Invitae), Labcorp
Classification: Uncertain significance for Developmental and epileptic encephalopathy, 34. Last evaluated: 2021-10-19. Review status: criteria provided, single submitter. Criteria: Invitae Variant Classification Sherloc (09022015). Collection method: clinical testing. Allele origin: germline.
Comment: This sequence change replaces arginine with histidine at codon 820 of the SLC12A5 protein (p.Arg820His). The arginine residue is moderately conserved and there is a small physicochemical difference between arginine and histidine. This variant is not present in population databases (ExAC no frequency). This variant has not been reported in the literature in individuals affected with SLC12A5-related conditions. Advanced modeling of protein sequence and biophysical properties (such as structural, functional, and spatial information, amino acid conservation, physicochemical variation, residue mobility, and thermodynamic stability) performed at Invitae indicates that this missense variant is expected to disrupt SLC12A5 protein function. In summary, the available evidence is currently insufficient to determine the role of this variant in disease. Therefore, it has been classified as a Variant of Uncertain Significance.